The following is an entry in ClinVar:

NC_000019.9:g.(?_44047462)_(44079680_?)dup

Gene: XRCC1 (X-ray repair cross complementing 1; minus strand). Cytogenetic location: 19q13.31.
Variant type: Duplication.
Identifiers: ClinVar variation 3907446 (VCV003907446.1).

ClinVar aggregate classification (germline): Uncertain significance (1 of 4 stars; one submission).

Submission:

Women's Health and Genetics/Laboratory Corporation of America, LabCorp
Classification: Uncertain significance. Last evaluated: 2025-06-26. Review status: criteria provided, single submitter. Criteria: LabCorp Variant Classification Summary - May 2015. Collection method: clinical testing. Allele origin: germline.
Comment: Variant summary: The variant involves the duplication of exons 1-17 in the XRCC1 gene. A presumed nomenclature of c.(?_-70)_(*82_?)dup has been designated for the purposes of this classification. This duplication includes the entire coding sequence of the gene. As exact breakpoints are unknown, it may extend beyond the annotated region of the gene, to include other flanking genes. The variant was absent in 21692 control chromosomes. The available data on variant occurrences in the general population are insufficient to allow any conclusion about variant significance. To our knowledge, no occurrence of c.(?_-70)_(*82_?)dup in individuals affected with Spinocerebellar Ataxia, Autosomal Recessive 26 and no experimental evidence demonstrating its impact on protein function have been reported. No submitters have cited clinical-significance assessments for this variant to ClinVar. Based on the evidence outlined above, the variant was classified as uncertain significance.